The following is an entry in ClinVar:

NM_152296.5(ATP1A3):c.2688+6T>C

Gene: ATP1A3 (ATPase Na+/K+ transporting subunit alpha 3; minus strand). Cytogenetic location: 19q13.2.
Variant type: single nucleotide variant.
Coding change: c.2688+6T>C on transcript NM_152296.5 (MANE Select); 6 bases into the intron after coding-DNA position 2688, T replaced by C.
Molecular consequence: intron variant.
Genome position (GRCh38, 1-based): chr19:41,969,429, A>G on the plus strand (T>C on the coding strand, the complement: ATP1A3 is on the minus strand). VCF-style: chr19-41969429-A-G. GRCh37 (hg19) VCF-style: chr19-42473581-A-G.
Other names: c.2727+6T>C (NM_001256214.2); c.2721+6T>C (NM_001256213.2).
Identifiers: ClinVar variation 1006175 (VCV001006175.6), dbSNP rs2075078801, ClinGen allele CA2336720573.

ClinVar aggregate classification (germline): Uncertain significance (1 of 4 stars; one submission).

Conditions:
Dystonia 12 (DYT12). Also called: DYT-ATP1A3; Rapid-Onset Dystonia-Parkinsonism (RDP). Identifiers: Orphanet 71517, MedGen C1868681, MONDO:0007496, OMIM 128235.

Allele frequency attached by ClinVar (database versions not stated): gnomAD exomes 0.00001.
gnomAD v4.1: 4 of 1,613,794 alleles (0.00025%); highest among the groups gnomAD compares: Non-Finnish European, 0.00034%; no homozygotes.

Submission:

Labcorp Genetics (formerly Invitae), Labcorp
Classification: Uncertain significance for Dystonia 12. Last evaluated: 2025-10-10. Review status: criteria provided, single submitter. Criteria: Invitae Variant Classification Sherloc (09022015). Collection method: clinical testing. Allele origin: germline.
Comment: This sequence change falls in intron 19 of the ATP1A3 gene. It does not directly change the encoded amino acid sequence of the ATP1A3 protein. It affects a nucleotide within the consensus splice site. This variant is not present in population databases (gnomAD no frequency). This variant has not been reported in the literature in individuals affected with ATP1A3-related conditions. ClinVar contains an entry for this variant (Variation ID: 1006175). Variants that disrupt the consensus splice site are a relatively common cause of aberrant splicing (PMID: 17576681, 9536098). Algorithms developed to predict the effect of sequence changes on RNA splicing suggest that this variant is not likely to affect RNA splicing. In summary, the available evidence is currently insufficient to determine the role of this variant in disease. Therefore, it has been classified as a Variant of Uncertain Significance.

Literature cited by the submitters: PubMed 17576681; PubMed 9536098.